The following is an entry in ClinVar:

NM_000070.3(CAPN3):c.1194-45C>T

Gene: CAPN3 (calpain 3; plus strand). Cytogenetic location: 15q15.1.
Variant type: single nucleotide variant.
Coding change: c.1194-45C>T on transcript NM_000070.3 (MANE Select); 45 bases into the intron before coding-DNA position 1194, C replaced by T.
Molecular consequence: intron variant.
Genome position (GRCh38, 1-based): chr15:42,399,447, C>T. VCF-style: chr15-42399447-C-T. GRCh37 (hg19) VCF-style: chr15-42691645-C-T.
Other names: c.1194-45C>T (NM_024344.2); c.1050-45C>T (NM_173087.2).
Identifiers: ClinVar variation 254858 (VCV000254858.3), dbSNP rs3743004, ClinGen allele CA7511279.

ClinVar aggregate classification (germline): Benign. Review status: criteria provided, multiple submitters, no conflicts (2 of 4 stars). 3 submissions from 3 submitters: Benign (3). Last evaluated 2018-06-16.

Allele frequency attached by ClinVar (database versions not stated): ESP Exome Variant Server 0.00077; gnomAD 0.00414 and 0.00545; gnomAD exomes 0.00460 and 0.01472; TOPMed 0.00766; ExAC 0.01344; 1000 Genomes Project 30x 0.02264; 1000 Genomes Project 0.02536.
gnomAD v4.1: 7,259 of 1,506,830 alleles (0.48%); highest among the groups gnomAD compares: East Asian, 11%; 354 homozygotes.

Submissions (3):

GeneDx
Classification: Benign. Last evaluated: 2018-06-16. Review status: criteria provided, single submitter. Criteria: GeneDx Variant Classification (06012015). Collection method: clinical testing. Allele origin: germline. Affected: yes.
Comment: This variant is considered likely benign or benign based on one or more of the following criteria: it is a conservative change, it occurs at a poorly conserved position in the protein, it is predicted to be benign by multiple in silico algorithms, and/or has population frequency not consistent with disease.

Breakthrough Genomics
Classification: Benign. Review status: criteria provided, single submitter. Criteria: ACMG Guidelines, 2015. Collection method: not provided. Allele origin: germline. Inheritance: Autosomal recessive inheritance. Affected: yes.

PreventionGenetics, part of Exact Sciences
Classification: Benign. Review status: criteria provided, single submitter. Criteria: ACMG Guidelines, 2015. Collection method: clinical testing. Allele origin: germline.